The following is an entry in ClinVar:

NM_000465.4(BARD1):c.1555T>C (p.Ser519Pro)

Gene: BARD1 (BRCA1 associated RING domain 1; minus strand). Cytogenetic location: 2q35.
Variant type: single nucleotide variant.
Coding change: c.1555T>C on transcript NM_000465.4 (MANE Select); coding-DNA position 1555, T replaced by C.
Protein change: p.Ser519Pro; replaces serine 519 with proline.
Molecular consequence: missense variant. On other transcripts: non-coding transcript variant (3), intron variant (3).
Genome position (GRCh38, 1-based): chr2:214,767,495, A>G on the plus strand (T>C on the coding strand, the complement: BARD1 is on the minus strand). VCF-style: chr2-214767495-A-G. GRCh37 (hg19) VCF-style: chr2-215632219-A-G.
Other names: c.1498T>C, p.Ser500Pro (NM_001282543.2); c.159-14940T>C (NM_001282548.2); c.216-14940T>C (NM_001282545.2); c.364+24802T>C (NM_001282549.2); short protein forms S519P, S500P.
Identifiers: ClinVar variation 482791 (VCV000482791.11), dbSNP rs1553619206, ClinGen allele CA350448118.

ClinVar aggregate classification (germline): Uncertain significance. Review status: criteria provided, multiple submitters, no conflicts (2 of 4 stars). 2 submissions from 2 submitters: Uncertain significance (2). Last evaluated 2024-05-24.

Conditions:
Hereditary cancer-predisposing syndrome. Also called: Neoplastic Syndromes, Hereditary; Tumor predisposition; Hereditary Cancer Syndrome; Hereditary neoplastic syndrome. Identifiers: Orphanet 140162, MedGen C0027672, MeSH D009386, MONDO:0015356.
Familial cancer of breast. Also called: BREAST CANCER, FAMILIAL; Hereditary breast cancer; hereditary breast carcinoma. Identifiers: Orphanet 227535, MedGen C0346153, MONDO:0016419, OMIM 114480. Disease mechanism: loss of function.

Submissions (2):

Ambry Genetics
Classification: Uncertain significance for Hereditary cancer-predisposing syndrome. Last evaluated: 2024-05-24. Review status: criteria provided, single submitter. Criteria: Ambry Variant Classification Scheme 2023. Collection method: clinical testing. Allele origin: germline.
Comment: The p.S519P variant (also known as c.1555T>C), located in coding exon 6 of the BARD1 gene, results from a T to C substitution at nucleotide position 1555. The serine at codon 519 is replaced by proline, an amino acid with similar properties. This amino acid position is highly conserved in available vertebrate species. In addition, this alteration is predicted to be deleterious by in silico analysis. Since supporting evidence is limited at this time, the clinical significance of this alteration remains unclear.

Labcorp Genetics (formerly Invitae), Labcorp
Classification: Uncertain significance for Familial cancer of breast. Last evaluated: 2024-02-07. Review status: criteria provided, single submitter. Criteria: Invitae Variant Classification Sherloc (09022015). Collection method: clinical testing. Allele origin: germline.
Comment: This sequence change replaces serine, which is neutral and polar, with proline, which is neutral and non-polar, at codon 519 of the BARD1 protein (p.Ser519Pro). This variant is not present in population databases (gnomAD no frequency). This variant has not been reported in the literature in individuals affected with BARD1-related conditions. ClinVar contains an entry for this variant (Variation ID: 482791). An algorithm developed to predict the effect of missense changes on protein structure and function (PolyPhen-2) suggests that this variant is likely to be disruptive. In summary, the available evidence is currently insufficient to determine the role of this variant in disease. Therefore, it has been classified as a Variant of Uncertain Significance.